The following is an entry in ClinVar:

ClinVar aggregate classification (germline): Uncertain significance. Review status: criteria provided, multiple submitters, no conflicts (2 of 4 stars). 2 submissions from 2 submitters: Uncertain significance (2). Last evaluated 2026-02-11.

Conditions:
Noonan syndrome 9 (NS9). Identifiers: Orphanet 648, MedGen C4225282, MONDO:0014691, OMIM 616559.

Allele frequency attached by ClinVar (database versions not stated): TOPMed below 0.00001; gnomAD exomes 0.00001.
gnomAD v4.1: 9 of 1,614,116 alleles (0.00056%); highest among the groups gnomAD compares: Non-Finnish European, 0.00068%; no homozygotes.

Submissions (2):

St. Jude Molecular Pathology, St. Jude Children's Research Hospital
Classification: Uncertain significance for Noonan syndrome 9. Last evaluated: 2026-02-11. Review status: criteria provided, single submitter. Criteria: St. Jude Assertion Criteria 2020. Collection method: clinical testing. Allele origin: germline.
Comment: The SOS2 c.3173C>G p.(Pro1058Arg) missense change is absent in gnomAD v2.1.1. The in silico tool REVEL is inconclusive about a pathogenic or benign effect of this variant on protein function, and to our knowledge functional studies have not been performed. To our knowledge, this variant has not been reported in individuals with Noonan syndrome. In summary, the evidence currently available is insufficient to determine the clinical significance of this variant. It has therefore been classified as of uncertain significance.

Labcorp Genetics (formerly Invitae), Labcorp
Classification: Uncertain significance for Noonan syndrome 9. Last evaluated: 2025-08-29. Review status: criteria provided, single submitter. Criteria: Invitae Variant Classification Sherloc (09022015). Collection method: clinical testing. Allele origin: germline.
Comment: This sequence change replaces proline, which is neutral and non-polar, with arginine, which is basic and polar, at codon 1058 of the SOS2 protein (p.Pro1058Arg). This variant is present in population databases (no rsID available, gnomAD 0.01%). This variant has not been reported in the literature in individuals affected with SOS2-related conditions. ClinVar contains an entry for this variant (Variation ID: 2916636). Invitae Evidence Modeling of protein sequence and biophysical properties (such as structural, functional, and spatial information, amino acid conservation, physicochemical variation, residue mobility, and thermodynamic stability) indicates that this missense variant is not expected to disrupt SOS2 protein function with a negative predictive value of 95%. In summary, the available evidence is currently insufficient to determine the role of this variant in disease. Therefore, it has been classified as a Variant of Uncertain Significance.

NM_006939.4(SOS2):c.3173C>G (p.Pro1058Arg)

Gene: SOS2 (SOS Ras/Rho guanine nucleotide exchange factor 2; minus strand). Cytogenetic location: 14q21.3.
Variant type: single nucleotide variant.
Coding change: c.3173C>G on transcript NM_006939.4 (MANE Select); coding-DNA position 3173, C replaced by G.
Protein change: p.Pro1058Arg; replaces proline 1058 with arginine.
Molecular consequence: missense variant.
Genome position (GRCh38, 1-based): chr14:50,130,665, G>C on the plus strand (C>G on the coding strand, the complement: SOS2 is on the minus strand). VCF-style: chr14-50130665-G-C. GRCh37 (hg19) VCF-style: chr14-50597383-G-C.
Other names: c.3074C>G, p.Pro1025Arg (NM_001411020.1); short protein forms P1058R, P1025R.
Identifiers: ClinVar variation 2916636 (VCV002916636.4), dbSNP rs1264055007, ClinGen allele CA389640842.